The following is an entry in ClinVar:

ClinVar aggregate classification (germline): Uncertain significance (1 of 4 stars; one submission).

Conditions:
Inborn genetic diseases. Identifiers: MedGen C0950123, MeSH D030342.

Allele frequency attached by ClinVar (database versions not stated): gnomAD exomes below 0.00001.
gnomAD v4.1: 3 of 1,612,200 alleles (0.00019%); highest among the groups gnomAD compares: Non-Finnish European, 0.00025%; no homozygotes.

Submission:

Ambry Genetics
Classification: Uncertain significance for Inborn genetic diseases. Last evaluated: 2023-05-14. Review status: criteria provided, single submitter. Criteria: Ambry Variant Classification Scheme 2023. Collection method: clinical testing. Allele origin: germline.
Comment: The p.Y1718H variant (also known as c.5152T>C), located in coding exon 35 of the LRRK2 gene, results from a T to C substitution at nucleotide position 5152. The tyrosine at codon 1718 is replaced by histidine, an amino acid with similar properties. This amino acid position is conserved. In addition, this alteration is predicted to be tolerated by in silico analysis. Since supporting evidence is limited at this time, the clinical significance of this alteration remains unclear.

NM_198578.4(LRRK2):c.5152T>C (p.Tyr1718His)

Gene: LRRK2 (leucine rich repeat kinase 2; plus strand). Cytogenetic location: 12q12.
Variant type: single nucleotide variant.
Coding change: c.5152T>C on transcript NM_198578.4 (MANE Select); coding-DNA position 5152, T replaced by C.
Protein change: p.Tyr1718His; replaces tyrosine 1718 with histidine.
Molecular consequence: missense variant.
Genome position (GRCh38, 1-based): chr12:40,321,170, T>C. VCF-style: chr12-40321170-T-C. GRCh37 (hg19) VCF-style: chr12-40714972-T-C.
Other names: short protein forms Y1718H.
Identifiers: ClinVar variation 2567397 (VCV002567397.2), dbSNP rs2499878989, ClinGen allele CA384420104.